The following is an entry in ClinVar:

NM_017871.6(INTS11):c.636C>T (p.Asp212=)

Gene: INTS11 (integrator complex subunit 11; minus strand). Cytogenetic location: 1p36.33.
Variant type: single nucleotide variant.
Coding change: c.636C>T on transcript NM_017871.6 (MANE Select); coding-DNA position 636, C replaced by T.
Protein change: p.Asp212=; no amino-acid change (aspartic acid 212 retained).
Molecular consequence: synonymous variant.
Genome position (GRCh38, 1-based): chr1:1,314,890, G>A on the plus strand (C>T on the coding strand, the complement: INTS11 is on the minus strand). VCF-style: chr1-1314890-G-A. GRCh37 (hg19) VCF-style: chr1-1250270-G-A.
Other names: c.654C>T, p.Asp218= (NM_001256456.2); c.549C>T, p.Asp183= (NM_001256460.2); c.342C>T, p.Asp114= (NM_001256462.2); c.333C>T, p.Asp111= (NM_001256463.2).
Identifiers: ClinVar variation 4821152 (VCV004821152.4).

ClinVar aggregate classification (germline): Likely benign (1 of 4 stars; one submission).

gnomAD v4.1: 1,179 of 1,613,112 alleles (0.073%); highest among the groups gnomAD compares: African/African-American, 1.4%; 9 homozygotes.

Submission:

CeGaT Center for Human Genetics Tuebingen
Classification: Likely benign. Last evaluated: 2026-03-01. Review status: criteria provided, single submitter. Criteria: CeGaT Center For Human Genetics Tuebingen Variant Classification Criteria Version 2. Collection method: clinical testing. Allele origin: germline. Affected: yes. Observed: 1 variant allele.
Comment: INTS11: BP4, BP7, BS1